The following is an entry in ClinVar:

NM_006267.5(RANBP2):c.929G>A (p.Arg310Gln)

Gene: RANBP2 (RAN binding protein 2; plus strand). Cytogenetic location: 2q13.
Variant type: single nucleotide variant.
Coding change: c.929G>A on transcript NM_006267.5 (MANE Select); coding-DNA position 929, G replaced by A.
Protein change: p.Arg310Gln; replaces arginine 310 with glutamine.
Molecular consequence: missense variant.
Genome position (GRCh38, 1-based): chr2:108,740,635, G>A. VCF-style: chr2-108740635-G-A. GRCh37 (hg19) VCF-style: chr2-109357091-G-A.
Other names: short protein forms R310Q.
Identifiers: ClinVar variation 579412 (VCV000579412.7), dbSNP rs765648480, ClinGen allele CA1822166.

ClinVar aggregate classification (germline): Uncertain significance. Review status: criteria provided, multiple submitters, no conflicts (2 of 4 stars). 2 submissions from 2 submitters: Uncertain significance (2). Last evaluated 2022-04-14.

Conditions:
Familial acute necrotizing encephalopathy (IIAE3). Also called: ENCEPHALOPATHY, ACUTE, INFECTION-INDUCED, SUSCEPTIBILITY TO, 3; Susceptibility to Acute Necrotizing Encephalopathy 1. Identifiers: Orphanet 88619, MedGen C2675556, MONDO:0011953, OMIM 608033.

Allele frequency attached by ClinVar (database versions not stated): gnomAD 0.00003 and 0.00004; TOPMed 0.00003.
gnomAD v4.1: 14 of 1,597,348 alleles (0.00088%); highest among the groups gnomAD compares: African/African-American, 0.011%; no homozygotes.

Submissions (2):

Ambry Genetics
Classification: Uncertain significance. Last evaluated: 2022-04-14. Review status: criteria provided, single submitter. Criteria: Ambry Variant Classification Scheme 2023. Collection method: clinical testing. Allele origin: germline.

Labcorp Genetics (formerly Invitae), Labcorp
Classification: Uncertain significance for Familial acute necrotizing encephalopathy. Last evaluated: 2020-10-29. Review status: criteria provided, single submitter. Criteria: Invitae Variant Classification Sherloc (09022015). Collection method: clinical testing. Allele origin: germline.
Comment: In summary, the available evidence is currently insufficient to determine the role of this variant in disease. Therefore, it has been classified as a Variant of Uncertain Significance. Algorithms developed to predict the effect of missense changes on protein structure and function are either unavailable or do not agree on the potential impact of this missense change (SIFT: "Deleterious"; PolyPhen-2: "Benign"; Align-GVGD: "Class C35"). This variant has not been reported in the literature in individuals with RANBP2-related disease. The frequency data for this variant in the population databases is considered unreliable, as metrics indicate poor data quality at this position in the ExAC database. This sequence change replaces arginine with glutamine at codon 310 of the RANBP2 protein (p.Arg310Gln). The arginine residue is highly conserved and there is a small physicochemical difference between arginine and glutamine.